The following is an entry in ClinVar:

NM_001018115.3(FANCD2):c.471G>C (p.Leu157Phe)

Genes: FANCD2 (FA complementation group D2; plus strand), LOC107303338 (3p25 FANCD2 Alu-mediated recombination region; plus strand). Cytogenetic location: 3p25.3.
Variant type: single nucleotide variant.
Coding change: c.471G>C on transcript NM_001018115.3 (MANE Select); coding-DNA position 471, G replaced by C.
Protein change: p.Leu157Phe; replaces leucine 157 with phenylalanine.
Molecular consequence: missense variant.
Genome position (GRCh38, 1-based): chr3:10,036,319, G>C. VCF-style: chr3-10036319-G-C. GRCh37 (hg19) VCF-style: chr3-10078003-G-C.
Other names: c.471G>C, p.Leu157Phe (NM_001319984.2, NM_001374253.1, NM_001374254.1 and 2 more transcripts); short protein forms L157F.
Identifiers: ClinVar variation 3627604 (VCV003627604.2).

ClinVar aggregate classification (germline): Uncertain significance (1 of 4 stars; one submission).

Conditions:
Fanconi anemia (FA). Also called: Fanconi's anemia. Identifiers: Orphanet 84, MedGen C0015625, MeSH D005199, MONDO:0019391.

Submission:

Labcorp Genetics (formerly Invitae), Labcorp
Classification: Uncertain significance for Fanconi anemia. Last evaluated: 2024-06-03. Review status: criteria provided, single submitter. Criteria: Invitae Variant Classification Sherloc (09022015). Collection method: clinical testing. Allele origin: germline.
Comment: This sequence change replaces leucine, which is neutral and non-polar, with phenylalanine, which is neutral and non-polar, at codon 157 of the FANCD2 protein (p.Leu157Phe). This variant is not present in population databases (gnomAD no frequency). This variant has not been reported in the literature in individuals affected with FANCD2-related conditions. Advanced modeling of protein sequence and biophysical properties (such as structural, functional, and spatial information, amino acid conservation, physicochemical variation, residue mobility, and thermodynamic stability) performed at Invitae indicates that this missense variant is not expected to disrupt FANCD2 protein function with a negative predictive value of 80%. In summary, the available evidence is currently insufficient to determine the role of this variant in disease. Therefore, it has been classified as a Variant of Uncertain Significance.